The following is an entry in ClinVar:

NM_001199267.2(DGKZ):c.162-970G>A

Gene: DGKZ (diacylglycerol kinase zeta; plus strand). Cytogenetic location: 11p11.2.
Variant type: single nucleotide variant.
Coding change: c.162-970G>A on transcript NM_001199267.2 (MANE Select); 970 bases into the intron before coding-DNA position 162, G replaced by A.
Molecular consequence: intron variant. On other transcripts: missense variant (1).
Genome position (GRCh38, 1-based): chr11:46,366,321, G>A. VCF-style: chr11-46366321-G-A. GRCh37 (hg19) VCF-style: chr11-46387871-G-A.
Other names: c.65G>A, p.Arg22Gln (NM_001105540.2); c.213-970G>A (NM_201532.3); c.177-970G>A (NM_201533.3); c.162-970G>A (NM_001199266.2, NM_003646.4, NM_001199268.2); c.65G>A (NM_001105540.1); short protein forms R22Q.
Identifiers: ClinVar variation 2079534 (VCV002079534.5), dbSNP rs761075766, ClinGen allele CA5962056.

ClinVar aggregate classification (germline): Uncertain significance. Review status: criteria provided, multiple submitters, no conflicts (2 of 4 stars). 2 submissions from 2 submitters: Uncertain significance (2). Last evaluated 2025-02-13.

Allele frequency attached by ClinVar (database versions not stated): ExAC 0.00002; gnomAD exomes 0.00003; TOPMed 0.00003; gnomAD 0.00002.
gnomAD v4.1: 45 of 1,570,282 alleles (0.0029%); highest among the groups gnomAD compares: Non-Finnish European, 0.0033%; no homozygotes.

Submissions (2):

Ambry Genetics
Classification: Uncertain significance. Last evaluated: 2025-02-13. Review status: criteria provided, single submitter. Criteria: Ambry Variant Classification Scheme 2023. Collection method: clinical testing. Allele origin: germline.

Labcorp Genetics (formerly Invitae), Labcorp
Classification: Uncertain significance. Last evaluated: 2024-10-14. Review status: criteria provided, single submitter. Criteria: Invitae Variant Classification Sherloc (09022015). Collection method: clinical testing. Allele origin: germline.
Comment: This sequence change replaces arginine, which is basic and polar, with glutamine, which is neutral and polar, at codon 22 of the DGKZ protein (p.Arg22Gln). The frequency data for this variant in the population databases is considered unreliable, as metrics indicate poor data quality at this position in the gnomAD database. This variant has not been reported in the literature in individuals affected with DGKZ-related conditions. ClinVar contains an entry for this variant (Variation ID: 2079534). An algorithm developed to predict the effect of missense changes on protein structure and function (PolyPhen-2) suggests that this variant is likely to be tolerated. In summary, the available evidence is currently insufficient to determine the role of this variant in disease. Therefore, it has been classified as a Variant of Uncertain Significance.